The following is an entry in ClinVar:

NM_017433.5(MYO3A):c.409-21TA[2]

Gene: MYO3A (myosin IIIA; plus strand). Cytogenetic location: 10p12.1.
Variant type: Microsatellite.
Coding change: c.409-21TA[2] on transcript NM_017433.5 (MANE Select); two copies in a row of the 2-base unit TA starting at c.409-21.
Molecular consequence: intron variant.
Genome position: GRCh38 VCF-style: chr10-25997137-TTA-T. GRCh37 (hg19) VCF-style: chr10-26286066-TTA-T.
Other names: c.409-21TA[2] (NM_001368265.1).
Identifiers: ClinVar variation 164604 (VCV000164604.14), dbSNP rs112520797, ClinGen allele CA177330.

ClinVar aggregate classification (germline): Benign. Review status: criteria provided, multiple submitters, no conflicts (2 of 4 stars). 4 submissions from 4 submitters: Benign (4). Last evaluated 2026-01-30.

Submissions (4):

Labcorp Genetics (formerly Invitae), Labcorp
Classification: Benign. Last evaluated: 2026-01-30. Review status: criteria provided, single submitter. Criteria: Invitae Variant Classification Sherloc (09022015). Collection method: clinical testing. Allele origin: germline.

GeneDx
Classification: Benign. Last evaluated: 2021-03-11. Review status: criteria provided, single submitter. Criteria: GeneDx Variant Classification Process June 2021. Collection method: clinical testing. Allele origin: germline. Affected: yes.

Laboratory for Molecular Medicine, Mass General Brigham Personalized Medicine
Classification: Benign. Last evaluated: 2013-05-13. Review status: criteria provided, single submitter. Criteria: LMM Criteria. Collection method: clinical testing. Allele origin: germline. Observed: 30 variant alleles.
Comment: 409-16_409-15delAT in intron 5 of MYO3A: This variant is not expected to have cl inical significance because it has been identified in 5.3% (445/8242) of Europea n American chromosomes and 4.1% (176/4264) of African American chromosomes from a broad population by the NHLBI Exome sequencing project, and 3.1% (69/2178) of chromosomes from the 1000 Genome Project (dbS NP rs139987960).

PreventionGenetics, part of Exact Sciences
Classification: Benign. Review status: criteria provided, single submitter. Criteria: ACMG Guidelines, 2015. Collection method: clinical testing. Allele origin: germline.